The following is an entry in ClinVar:

ClinVar aggregate classification (germline): Uncertain significance (1 of 4 stars; one submission).

Conditions:
Progressive myoclonic epilepsy type 5. Identifiers: Orphanet 402082, MedGen C5190799.

Allele frequency attached by ClinVar (database versions not stated): TOPMed below 0.00001; gnomAD 0.00001; gnomAD exomes 0.00001.
gnomAD v4.1: 6 of 1,614,044 alleles (0.00037%); highest among the groups gnomAD compares: South Asian, 0.0066%; no homozygotes.

Submission:

Labcorp Genetics (formerly Invitae), Labcorp
Classification: Uncertain significance for Progressive myoclonic epilepsy type 5. Last evaluated: 2022-11-07. Review status: criteria provided, single submitter. Criteria: Invitae Variant Classification Sherloc (09022015). Collection method: clinical testing. Allele origin: germline.
Comment: In summary, the available evidence is currently insufficient to determine the role of this variant in disease. Therefore, it has been classified as a Variant of Uncertain Significance. Advanced modeling of protein sequence and biophysical properties (such as structural, functional, and spatial information, amino acid conservation, physicochemical variation, residue mobility, and thermodynamic stability) performed at Invitae indicates that this missense variant is not expected to disrupt PRICKLE2 protein function. This variant has not been reported in the literature in individuals affected with PRICKLE2-related conditions. This variant is present in population databases (no rsID available, gnomAD 0.006%). This sequence change replaces glycine, which is neutral and non-polar, with valine, which is neutral and non-polar, at codon 459 of the PRICKLE2 protein (p.Gly459Val).

NM_198859.4(PRICKLE2):c.1376G>T (p.Gly459Val)

Gene: PRICKLE2 (prickle planar cell polarity protein 2; minus strand). Cytogenetic location: 3p14.1.
Variant type: single nucleotide variant.
Coding change: c.1376G>T on transcript NM_198859.4 (MANE Select); coding-DNA position 1376, G replaced by T.
Protein change: p.Gly459Val; replaces glycine 459 with valine.
Molecular consequence: missense variant.
Genome position (GRCh38, 1-based): chr3:64,147,114, C>A on the plus strand (G>T on the coding strand, the complement: PRICKLE2 is on the minus strand). VCF-style: chr3-64147114-C-A. GRCh37 (hg19) VCF-style: chr3-64132790-C-A.
Other names: c.1376G>T, p.Gly459Val (NM_001370528.1); short protein forms G459V.
Identifiers: ClinVar variation 2742027 (VCV002742027.3), dbSNP rs1487385707, ClinGen allele CA353429816.